The following is an entry in ClinVar:

NM_001042492.3(NF1):c.5004C>G (p.Gly1668=)

Gene: NF1 (neurofibromin 1; plus strand). Cytogenetic location: 17q11.2.
Variant type: single nucleotide variant.
Coding change: c.5004C>G on transcript NM_001042492.3 (MANE Select); coding-DNA position 5004, C replaced by G.
Protein change: p.Gly1668=; no amino-acid change (glycine 1668 retained).
Molecular consequence: synonymous variant.
Genome position (GRCh38, 1-based): chr17:31,325,988, C>G. VCF-style: chr17-31325988-C-G. GRCh37 (hg19) VCF-style: chr17-29653006-C-G.
Other names: c.4941C>G, p.Gly1647= (NM_000267.4).
Identifiers: ClinVar variation 229699 (VCV000229699.16), dbSNP rs751603479, ClinGen allele CA8487125.
Genomic context (GRCh38, chr17:31,325,988, plus strand): 5'-CGGGCCTAGCAATCGCTTTAAAACAGACTTTCTCTCTAAGTGGTTTGTTGTTTTTCCTGG[C>G]TTTGCTTACGACAACGTCTCCGCAGTCTATATCTATAACTGTAACTCCTGGGTCAGGGAG-3'
Protein context (NP_001035957.1, residues 1658-1678): FLSKWFVVFP[Gly1668=]FAYDNVSAVY

ClinVar aggregate classification (germline): Benign/Likely benign. Review status: criteria provided, multiple submitters, no conflicts (2 of 4 stars). 5 submissions from 5 submitters: Benign (1); Likely benign (4). Last evaluated 2026-05-20.

Conditions:
Hereditary cancer-predisposing syndrome. Also called: Neoplastic Syndromes, Hereditary; Hereditary Cancer Syndrome; Tumor predisposition; Hereditary neoplastic syndrome. Identifiers: Orphanet 140162, MedGen C0027672, MeSH D009386, MONDO:0015356.
Neurofibromatosis, type 1 (NF1). Also called: Peripheral type neurofibromatosis; Neurofibromatosis, type I; VON RECKLINGHAUSEN DISEASE; NEUROFIBROMATOSIS, TYPE I, SOMATIC. Identifiers: Orphanet 636, MedGen C0027831, MONDO:0018975, OMIM 162200. Disease mechanism: loss of function.

Allele frequency attached by ClinVar (database versions not stated): TOPMed below 0.00001; ExAC 0.00001; gnomAD exomes 0.00001.
gnomAD v4.1: 20 of 1,614,170 alleles (0.0012%); highest among the groups gnomAD compares: Non-Finnish European, 0.0015%; no homozygotes.

Submissions (5):

Myriad Genetics, Inc.
Classification: Benign for Neurofibromatosis, type 1. Last evaluated: 2026-05-20. Review status: criteria provided, single submitter. Criteria: Myriad Autosomal Dominant, Autosomal Recessive and X-Linked Classification Criteria (2023). Collection method: clinical testing. Allele origin: unknown.
Comment: This variant is considered benign. This variant is a silent/synonymous amino acid change and it is not expected to impact splicing.

Labcorp Genetics (formerly Invitae), Labcorp
Classification: Likely benign for Neurofibromatosis, type 1. Last evaluated: 2025-11-08. Review status: criteria provided, single submitter. Criteria: Invitae Variant Classification Sherloc (09022015). Collection method: clinical testing. Allele origin: germline.

Blueprint Genetics
Classification: Likely benign. Last evaluated: 2024-02-08. Review status: criteria provided, single submitter. Criteria: ACMG Guidelines, 2015. Collection method: clinical testing. Allele origin: germline.

Genome-Nilou Lab
Classification: Likely benign for Neurofibromatosis, type 1. Last evaluated: 2022-03-15. Review status: criteria provided, single submitter. Criteria: ACMG Guidelines, 2015. Collection method: clinical testing. Allele origin: germline. Affected: no.

Ambry Genetics
Classification: Likely benign for Hereditary cancer-predisposing syndrome. Last evaluated: 2014-11-25. Review status: criteria provided, single submitter. Criteria: Ambry Autosomal Dominant and X-Linked criteria (10/2015). Collection method: clinical testing. Allele origin: germline. Observed: 1 variant allele.